The following is an entry in ClinVar:

NM_020812.4(DOCK6):c.6001C>G (p.Arg2001Gly)

Gene: DOCK6 (dedicator of cytokinesis 6; minus strand). Cytogenetic location: 19p13.2.
Variant type: single nucleotide variant.
Coding change: c.6001C>G on transcript NM_020812.4 (MANE Select); coding-DNA position 6001, C replaced by G.
Protein change: p.Arg2001Gly; replaces arginine 2001 with glycine.
Molecular consequence: missense variant.
Genome position (GRCh38, 1-based): chr19:11,200,408, G>C on the plus strand (C>G on the coding strand, the complement: DOCK6 is on the minus strand). VCF-style: chr19-11200408-G-C. GRCh37 (hg19) VCF-style: chr19-11311084-G-C.
Other names: c.6106C>G, p.Arg2036Gly (NM_001367830.1); short protein forms R2001G, R2036G.
Identifiers: ClinVar variation 1895655 (VCV001895655.5), dbSNP rs772839281, ClinGen allele CA9206257.

ClinVar aggregate classification (germline): Uncertain significance (1 of 4 stars; one submission).

Allele frequency attached by ClinVar (database versions not stated): ExAC 0.00001; gnomAD 0.00001; TOPMed 0.00001.
gnomAD v4.1: 15 of 1,610,048 alleles (0.00093%); highest among the groups gnomAD compares: Non-Finnish European, 0.0013%; no homozygotes.

Submission:

Labcorp Genetics (formerly Invitae), Labcorp
Classification: Uncertain significance. Last evaluated: 2022-02-04. Review status: criteria provided, single submitter. Criteria: Invitae Variant Classification Sherloc (09022015). Collection method: clinical testing. Allele origin: germline.
Comment: This sequence change replaces arginine, which is basic and polar, with glycine, which is neutral and non-polar, at codon 2001 of the DOCK6 protein (p.Arg2001Gly). This variant is present in population databases (rs772839281, gnomAD 0.002%). This variant has not been reported in the literature in individuals affected with DOCK6-related conditions. Algorithms developed to predict the effect of missense changes on protein structure and function are either unavailable or do not agree on the potential impact of this missense change (SIFT: "Deleterious"; PolyPhen-2: "Probably Damaging"; Align-GVGD: "Class C0"). Algorithms developed to predict the effect of sequence changes on RNA splicing suggest that this variant may create or strengthen a splice site. In summary, the available evidence is currently insufficient to determine the role of this variant in disease. Therefore, it has been classified as a Variant of Uncertain Significance.